The following is an entry in ClinVar:

ClinVar aggregate classification (germline): Uncertain significance. Review status: criteria provided, multiple submitters, no conflicts (2 of 4 stars). 2 submissions from 2 submitters: Uncertain significance (2). Last evaluated 2024-11-05.

Conditions:
Inborn genetic diseases. Identifiers: MedGen C0950123, MeSH D030342.

Allele frequency attached by ClinVar (database versions not stated): TOPMed 0.00001.

Submissions (2):

Labcorp Genetics (formerly Invitae), Labcorp
Classification: Uncertain significance. Last evaluated: 2024-11-05. Review status: criteria provided, single submitter. Criteria: Invitae Variant Classification Sherloc (09022015). Collection method: clinical testing. Allele origin: germline.
Comment: This sequence change replaces arginine, which is basic and polar, with leucine, which is neutral and non-polar, at codon 250 of the DGAT1 protein (p.Arg250Leu). This variant is present in population databases (rs782187957, gnomAD 0.006%). This variant has not been reported in the literature in individuals affected with DGAT1-related conditions. ClinVar contains an entry for this variant (Variation ID: 1925858). An algorithm developed to predict the effect of missense changes on protein structure and function (PolyPhen-2) suggests that this variant is likely to be tolerated. In summary, the available evidence is currently insufficient to determine the role of this variant in disease. Therefore, it has been classified as a Variant of Uncertain Significance.

Ambry Genetics
Classification: Uncertain significance for Inborn genetic diseases. Last evaluated: 2021-09-16. Review status: criteria provided, single submitter. Criteria: Ambry Variant Classification Scheme 2023. Collection method: clinical testing. Allele origin: germline.

NM_012079.6(DGAT1):c.749G>T (p.Arg250Leu)

Gene: DGAT1 (diacylglycerol O-acyltransferase 1; minus strand). Cytogenetic location: 8q24.3.
Variant type: single nucleotide variant.
Coding change: c.749G>T on transcript NM_012079.6 (MANE Select); coding-DNA position 749, G replaced by T.
Protein change: p.Arg250Leu; replaces arginine 250 with leucine.
Molecular consequence: missense variant.
Genome position (GRCh38, 1-based): chr8:144,318,097, C>A on the plus strand (G>T on the coding strand, the complement: DGAT1 is on the minus strand). VCF-style: chr8-144318097-C-A. GRCh37 (hg19) VCF-style: chr8-145541760-C-A.
Other names: short protein forms R250L.
Identifiers: ClinVar variation 1925858 (VCV001925858.5), dbSNP rs782187957, ClinGen allele CA4936874.